The following is an entry in ClinVar:

NC_000023.11:g.103181775C>G

Variant type: single nucleotide variant.
Genome position: GRCh38 VCF-style: chrX-103181775-C-G. GRCh37 (hg19) VCF-style: chrX-102436703-C-G.
Identifiers: ClinVar variation 691857 (VCV000691857.2), dbSNP rs746040794, ClinGen allele CA333957382.
Genomic context (GRCh38, chrX:103,181,775, plus strand): 5'-TTTTTTTTTTTTTTTGAGACGGAGTCTCGCTCTGTTGCCCAGGCTGGAGTGCAGTGGCGC[C>G]ATCTCGGCTCACTGCAAGCTCCACCTCCCGGGTTCACGCCATTTTCCTGCCTCAGCCTCC-3'

ClinVar aggregate classification (germline): Benign (0 of 4 stars; one submission).

Submission:

Lupski Lab, Baylor-Hopkins CMG, Baylor College of Medicine
Classification: Benign. Review status: no assertion criteria provided. Collection method: research. Allele origin: unknown. Observed: 1 variant allele.